The following is an entry in ClinVar:

NM_206933.4(USH2A):c.12152_12153insTT (p.Glu4051fs)

Gene: USH2A (usherin; minus strand). Cytogenetic location: 1q41.
Variant type: Insertion.
Coding change: c.12152_12153insTT on transcript NM_206933.4 (MANE Select); coding-DNA positions 12152 to 12153, TT inserted.
Protein change: p.Glu4051fs; shifts the reading frame from glutamic acid 4051.
Molecular consequence: frameshift variant.
Genome position: GRCh38 VCF-style: chr1-215680290-T-TAA. GRCh37 (hg19) VCF-style: chr1-215853632-T-TAA.
Other names: short protein forms E4051fs.
Identifiers: ClinVar variation 418537 (VCV000418537.18), dbSNP rs1064793289, ClinGen allele CA16609675.
Genomic context (GRCh38, chr1:215,680,290, plus strand): 5'-GTTTCTCAGTCCACTTGGGGAAGATTCTAAGGTTTGAATCAGAGTCCAAGGGCTTAAAAT[T>TAA]TCTCCTGCATGGTTTGCAGCCACAACACCAATGCGATATGTTGTGAATGGTTCTAACCCG-3'

ClinVar aggregate classification (germline): Pathogenic/Likely pathogenic. Review status: criteria provided, multiple submitters, no conflicts (2 of 4 stars). 10 submissions from 9 submitters: Pathogenic (7); Likely pathogenic (3). Last evaluated 2025-12-09.

Conditions:
USH2A-related disorder. Also called: USH2A-related condition; USH2A-related disorders. Identifiers: MedGen CN239332.
Retinitis pigmentosa 39 (RP39). Identifiers: Orphanet 791, MedGen C3151138, MONDO:0013436, OMIM 613809.
Usher syndrome type 2A. Also called: RETINAL DISEASE IN USHER SYNDROME TYPE IIA, MODIFIER OF; USHER SYNDROME, TYPE IIA. Identifiers: Orphanet 231178, Orphanet 886, MedGen C1848634, MONDO:0010169, OMIM 276901.

Allele frequency attached by ClinVar (database versions not stated): gnomAD exomes below 0.00001 and 0.00001; gnomAD 0.00001; TOPMed 0.00001; ESP Exome Variant Server 0.00008.

Submissions (10):

3billion
Classification: Pathogenic for Retinitis pigmentosa 39. Last evaluated: 2025-12-09. Review status: criteria provided, single submitter. Criteria: ACMG Guidelines, 2015. Collection method: clinical testing. Allele origin: germline. Affected: yes.
Comment: The variant is observed at an extremely low frequency in the gnomAD v4.1.0 dataset (total allele frequency: <0.001%). Predicted Consequence/Location: Frameshift: predicted to result in a loss or disruption of normal protein function through nonsense-mediated decay (NMD) or protein truncation. Multiple pathogenic variants are reported downstream of the variant. The variant has been reported at least twice as pathogenic with clinical assertions and evidence for the classification (ClinVar ID: VCV000418537 /PMID: 25910913). Therefore, this variant is classified as Pathogenic according to the recommendation of ACMG/AMP guideline.

Labcorp Genetics (formerly Invitae), Labcorp
Classification: Pathogenic. Last evaluated: 2025-10-18. Review status: criteria provided, single submitter. Criteria: Invitae Variant Classification Sherloc (09022015). Collection method: clinical testing. Allele origin: germline.
Comment: This sequence change creates a premature translational stop signal (p.Glu4051delinsAsp*) in the USH2A gene. It is expected to result in an absent or disrupted protein product. Loss-of-function variants in USH2A are known to be pathogenic (PMID: 10729113, 10909849, 20507924, 25649381). This variant is present in population databases (no rsID available, gnomAD 0.002%). This premature translational stop signal has been observed in individuals with retinitis pigmentosa or Usher syndrome (PMID: 25910913, 26806561). ClinVar contains an entry for this variant (Variation ID: 418537). For these reasons, this variant has been classified as Pathogenic.

Natera, Inc.
Classification: Pathogenic for Usher syndrome type 2A. Last evaluated: 2025-06-24. Review status: criteria provided, single submitter. Criteria: Natera Variant Classification Schema (03/2026). Collection method: clinical testing. Allele origin: germline.
Comment: The c.12152_12153insTT variant in USH2A is a frameshift variant predicted to shift the reading frame beginning at codon 4051 and leads to a stop codon 2 codons downstream. This variant is expected to result in nonsense mediated decay, truncation, or a dysfunctional protein product. This variant is rare in the general population with a frequency below the threshold expected for the associated phenotype(s). This variant has been observed in one or more individuals affected with the associated recessive disease, as either homozygous or compound heterozygous with a second variant (PMID: 37648803, 25910913). Given the available evidence, this variant is classified as Pathogenic.

GeneDx
Classification: Pathogenic. Last evaluated: 2024-07-31. Review status: criteria provided, single submitter. Criteria: GeneDx Variant Classification Process June 2021. Collection method: clinical testing. Allele origin: germline. Affected: yes.
Comment: Frameshift variant predicted to result in protein truncation or nonsense mediated decay in a gene for which loss-of-function is a known mechanism of disease; Not observed at a significant frequency in large population cohorts (gnomAD); This variant is associated with the following publications: (PMID: 25910913, 31964843, 34906470, 35266249)

Genome-Nilou Lab
Classification: Likely pathogenic for Retinitis pigmentosa 39. Last evaluated: 2023-11-04. Review status: criteria provided, single submitter. Criteria: ACMG Guidelines, 2015. Collection method: clinical testing. Allele origin: germline. Affected: no.

Genome-Nilou Lab
Classification: Likely pathogenic for Usher syndrome type 2A. Last evaluated: 2023-11-04. Review status: criteria provided, single submitter. Criteria: ACMG Guidelines, 2015. Collection method: clinical testing. Allele origin: germline. Affected: no.

Baylor Genetics
Classification: Pathogenic for Retinitis pigmentosa 39. Last evaluated: 2023-07-13. Review status: criteria provided, single submitter. Criteria: ACMG Guidelines, 2015. Collection method: clinical testing. Allele origin: unknown.

PreventionGenetics, part of Exact Sciences
Classification: Pathogenic for USH2A-related condition. Last evaluated: 2023-06-23. Review status: criteria provided, single submitter. Criteria: ACMG Guidelines, 2015. Collection method: clinical testing. Allele origin: germline.
Comment: The USH2A c.12152_12153insTT variant is predicted to result in a frameshift and premature protein termination (p.Glu4051Aspfs*2). This variant has been reported in individuals with Usher syndrome 2a (Lee et al. 2015. PubMed ID: 25910913; Table S1 in Hufnagel et al 2022. PubMed ID: 35266249). This variant is reported in 0.0023% of alleles in individuals of European (Non-Finnish) descent in gnomAD. Frameshift variants in USH2A are expected to be pathogenic. Given the evidence, we interpret this variant as pathogenic.

Blueprint Genetics
Classification: Pathogenic for USH2A-related disorders. Last evaluated: 2021-12-14. Review status: criteria provided, single submitter. Criteria: ACMG Guidelines, 2015. Collection method: clinical testing. Allele origin: germline. Affected: yes. Observed: 5 variant alleles.

Ocular Genomics Institute, Massachusetts Eye and Ear
Classification: Likely pathogenic for Retinitis pigmentosa 39. Last evaluated: 2021-04-08. Review status: criteria provided, single submitter. Criteria: ACMG Guidelines, 2015. Collection method: research. Allele origin: germline. Affected: yes.
Comment: Through a review of available evidence we were able to apply the following criteria: PVS1, PM2. Based on this evidence we have classified this variant as Likely Pathogenic.

Literature cited by the submitters: PubMed 25910913 (cited by 4 submitters); PubMed 10729113 (cited by Labcorp Genetics (formerly Invitae), Labcorp); PubMed 10909849 (cited by Labcorp Genetics (formerly Invitae), Labcorp); PubMed 20507924 (cited by Labcorp Genetics (formerly Invitae), Labcorp); PubMed 25649381 (cited by Labcorp Genetics (formerly Invitae), Labcorp); PubMed 26806561 (cited by Labcorp Genetics (formerly Invitae), Labcorp and Ocular Genomics Institute, Massachusetts Eye and Ear); PubMed 37648803 (cited by Natera, Inc.).